The following is an entry in ClinVar:

NM_000377.3(WAS):c.19_41del (p.Gly7fs)

Gene: WAS (WASP actin nucleation promoting factor; plus strand). Cytogenetic location: Xp11.23.
Variant type: Deletion.
Coding change: c.19_41del on transcript NM_000377.3 (MANE Select); coding-DNA positions 19 to 41, 23 bases deleted (GGAGGAAGGCCCGGGGGCCGAGG).
Protein change: p.Gly7fs; shifts the reading frame from glycine 7.
Molecular consequence: frameshift variant.
Genome position (GRCh38, 1-based): chrX:48,683,872-48,683,894, GGAGGAAGGCCCGGGGGCCGAGG deleted; deleting any 23 consecutive bases within chrX:48,683,871-48,683,894 gives the same sequence; the c. name uses the placement nearest the transcript's 3' end. VCF-style (leftmost placement, unchanged base first): chrX-48683870-TGGGAGGAAGGCCCGGGGGCCGAG-T. GRCh37 (hg19) VCF-style: chrX-48542259-TGGGAGGAAGGCCCGGGGGCCGAG-T.
Other names: short protein forms G7fs.
Identifiers: ClinVar variation 2030805 (VCV002030805.4), dbSNP rs2519277338, ClinGen allele CA2580101039.

ClinVar aggregate classification (germline): Pathogenic (1 of 4 stars; one submission).

Conditions:
X-linked severe congenital neutropenia (SCNX). Identifiers: Orphanet 86788, MedGen C1845987, MONDO:0010294, OMIM 300299.
Thrombocytopenia 1. Also called: THROMBOCYTOPENIA, X-LINKED, 1; X-linked thrombocytopenia with normal platelets; X-Linked Thrombocytopenia (XLT). Identifiers: Orphanet 268322, Orphanet 852, MedGen C1839163, MONDO:0010743, OMIM 313900.
Wiskott-Aldrich syndrome (WAS). Also called: ALDRICH SYNDROME; IMMUNODEFICIENCY 2; WISKOTT-ALDRICH SYNDROME 1; Wiskott-aldrich syndrome, somatic. Identifiers: Orphanet 906, MedGen C0043194, MONDO:0010518, OMIM 301000.

Submission:

Labcorp Genetics (formerly Invitae), Labcorp
Classification: Pathogenic for Wiskott-Aldrich syndrome; X-linked severe congenital neutropenia; Thrombocytopenia 1. Last evaluated: 2022-09-16. Review status: criteria provided, single submitter. Criteria: Invitae Variant Classification Sherloc (09022015). Collection method: clinical testing. Allele origin: germline.
Comment: For these reasons, this variant has been classified as Pathogenic. This variant has not been reported in the literature in individuals affected with WAS-related conditions. This variant is not present in population databases (gnomAD no frequency). This sequence change creates a premature translational stop signal (p.Gly7Serfs*23) in the WAS gene. It is expected to result in an absent or disrupted protein product. Loss-of-function variants in WAS are known to be pathogenic (PMID: 15284122).

Literature cited by the submitters: PubMed 15284122.